The following is an entry in ClinVar:

ClinVar aggregate classification (germline): Likely benign (1 of 4 stars; one submission).

Conditions:
PHIP-related disorder. Also called: PHIP-related disorders; PHIP-related condition.

Submission:

PreventionGenetics, part of Exact Sciences
Classification: Likely benign for PHIP-related condition. Last evaluated: 2025-09-04. Review status: criteria provided, single submitter. Criteria: ACMG Guidelines, 2015. Collection method: clinical testing. Allele origin: germline.
Comment: This variant is classified as likely benign based on ACMG/AMP sequence variant interpretation guidelines (Richards et al. 2015 PMID: 25741868, with internal and published modifications).

NM_017934.7(PHIP):c.*5T>C

Genes: IRAK1BP1 (interleukin 1 receptor associated kinase 1 binding protein 1; plus strand), PHIP (PHIP subunit of CUL4-Ring ligase complex; minus strand). Cytogenetic location: 6q14.1.
Variant type: single nucleotide variant.
Coding change: c.*5T>C on transcript NM_017934.7 (MANE Select); 5 bases downstream of the stop codon, T replaced by C.
Molecular consequence: 3 prime UTR variant.
Genome position (GRCh38, 1-based): chr6:78,940,688, A>G on the plus strand (T>C on the coding strand, the complement: PHIP is on the minus strand). VCF-style: chr6-78940688-A-G. GRCh37 (hg19) VCF-style: chr6-79650405-A-G.
Identifiers: ClinVar variation 4987576 (VCV004987576.1).
Genomic context (GRCh38, chr6:78,940,688, plus strand): 5'-TAGTTCTACTTATTCCTTAACTGTACCTGCTTTATAGATTTTGAAGTAAAATATTTTGGT[A>G]CAAGTTACCAACCAATTAAATTAGCTTTTGCTTTTTCAGTCAACTTTCGGACTCGTCCTC-3'